The following is an entry in ClinVar:

NM_000642.3(AGL):c.1866_1869dup (p.Ile624fs)

Gene: AGL (amylo-alpha-1,6-glucosidase and 4-alpha-glucanotransferase; plus strand). Cytogenetic location: 1p21.2.
Variant type: Duplication.
Coding change: c.1866_1869dup on transcript NM_000642.3 (MANE Select); coding-DNA positions 1866 to 1869, 4 bases duplicated (GGAT; older notation c.1866_1869dupGGAT).
Protein change: p.Ile624fs; shifts the reading frame from isoleucine 624.
Molecular consequence: frameshift variant.
Genome position (GRCh38, 1-based): chr1:99,880,762-99,880,765, GGAT duplicated; duplicating any 4 consecutive bases within chr1:99,880,760-99,880,765 gives the same sequence; the c. name uses the placement nearest the transcript's 3' end. VCF-style (leftmost placement, unchanged base first): chr1-99880759-T-TATGG. GRCh37 (hg19) VCF-style: chr1-100346315-T-TATGG.
Other names: c.1866_1869dup, p.Ile624Glyfs (NM_000644.3, NM_001425325.1, NM_001425326.1 and 2 more transcripts); c.1818_1821dup, p.Ile608Glyfs (NM_000646.3); c.1665_1668dup, p.Ile557Glyfs (NM_001425327.1); c.1662_1665dup, p.Ile556Glyfs (NM_001425328.1, NM_001425329.1); c.1488_1491dup, p.Ile498Glyfs (NM_001425332.1); short protein forms I624fs, I608fs.
Identifiers: ClinVar variation 1432258 (VCV001432258.6), dbSNP rs2101149228, ClinGen allele CA2573131976.

ClinVar aggregate classification (germline): Pathogenic (1 of 4 stars; one submission).

Conditions:
Glycogen storage disease type III (GSD3). Also called: FORBES DISEASE; Cori disease. Identifiers: Orphanet 366, MedGen C0017922, MONDO:0009291, OMIM 232400.

Submission:

Labcorp Genetics (formerly Invitae), Labcorp
Classification: Pathogenic for Glycogen storage disease type III. Last evaluated: 2021-10-31. Review status: criteria provided, single submitter. Criteria: Invitae Variant Classification Sherloc (09022015). Collection method: clinical testing. Allele origin: germline.
Comment: For these reasons, this variant has been classified as Pathogenic. This variant has not been reported in the literature in individuals affected with AGL-related conditions. This variant is not present in population databases (gnomAD no frequency). This sequence change creates a premature translational stop signal (p.Ile624Glyfs*5) in the AGL gene. It is expected to result in an absent or disrupted protein product. Loss-of-function variants in AGL are known to be pathogenic (PMID: 19299494).

Literature cited by the submitters: PubMed 19299494.